The following is an entry in ClinVar:

NM_020765.3(UBR4):c.833T>C (p.Leu278Ser)

Gene: UBR4 (ubiquitin protein ligase E3 component n-recognin 4; minus strand). Cytogenetic location: 1p36.13.
Variant type: single nucleotide variant.
Coding change: c.833T>C on transcript NM_020765.3 (MANE Select); coding-DNA position 833, T replaced by C.
Protein change: p.Leu278Ser; replaces leucine 278 with serine.
Molecular consequence: missense variant.
Genome position (GRCh38, 1-based): chr1:19,197,730, A>G on the plus strand (T>C on the coding strand, the complement: UBR4 is on the minus strand). VCF-style: chr1-19197730-A-G. GRCh37 (hg19) VCF-style: chr1-19524224-A-G.
Other names: short protein forms L278S.
Identifiers: ClinVar variation 2638426 (VCV002638426.24), dbSNP rs61759878, ClinGen allele CA651865.

ClinVar aggregate classification (germline): Likely benign (1 of 4 stars; one submission).

Allele frequency attached by ClinVar (database versions not stated): ExAC 0.00013; gnomAD 0.00013; gnomAD exomes 0.00017; TOPMed 0.00017.
gnomAD v4.1: 260 of 1,614,124 alleles (0.016%); highest among the groups gnomAD compares: Middle Eastern, 0.099%; no homozygotes.

Submission:

CeGaT Center for Human Genetics Tuebingen
Classification: Likely benign. Last evaluated: 2023-06-01. Review status: criteria provided, single submitter. Criteria: CeGaT Center For Human Genetics Tuebingen Variant Classification Criteria Version 2. Collection method: clinical testing. Allele origin: germline. Affected: yes. Observed: 1 variant allele.
Comment: UBR4: BS2